The following is an entry in ClinVar:

ClinVar aggregate classification (germline): Uncertain significance. Review status: criteria provided, multiple submitters, no conflicts (2 of 4 stars). 2 submissions from 2 submitters: Uncertain significance (2). Last evaluated 2024-03-11.

Conditions:
Myofibrillar myopathy 5. Also called: Filaminopathy (type); FILAMINOPATHY, AUTOSOMAL DOMINANT. Identifiers: Orphanet 171445, MedGen C1836050, MONDO:0012289, OMIM 609524.
Hypertrophic cardiomyopathy 26. Also called: Cardiomyopathy, familial hypertrophic, 26. Identifiers: Orphanet 75249, MedGen C4310749, MONDO:0014883, OMIM 617047.
Dilated Cardiomyopathy, Dominant.
Distal myopathy with posterior leg and anterior hand involvement. Also called: WILLIAMS DISTAL MYOPATHY. Identifiers: Orphanet 63273, MedGen C3279722, MONDO:0013550, OMIM 614065.
Cardiovascular phenotype. Identifiers: MedGen CN230736.

Allele frequency attached by ClinVar (database versions not stated): gnomAD 0.00001 and below 0.00001; gnomAD exomes below 0.00001.
gnomAD v4.1: 3 of 1,613,940 alleles (0.00019%); highest among the groups gnomAD compares: South Asian, 0.0022%; no homozygotes.

Submissions (2):

Ambry Genetics
Classification: Uncertain significance for Cardiovascular phenotype. Last evaluated: 2024-03-11. Review status: criteria provided, single submitter. Criteria: Ambry Variant Classification Scheme 2023. Collection method: clinical testing. Allele origin: germline.
Comment: The p.A639T variant (also known as c.1915G>A), located in coding exon 12 of the FLNC gene, results from a G to A substitution at nucleotide position 1915. The alanine at codon 639 is replaced by threonine, an amino acid with similar properties. This amino acid position is conserved. In addition, the in silico prediction for this alteration is inconclusive. Based on the available evidence, the clinical significance of this alteration remains unclear.

Labcorp Genetics (formerly Invitae), Labcorp
Classification: Uncertain significance for Distal myopathy with posterior leg and anterior hand involvement; Myofibrillar myopathy 5; Hypertrophic cardiomyopathy 26. Last evaluated: 2022-08-10. Review status: criteria provided, single submitter. Criteria: Invitae Variant Classification Sherloc (09022015). Collection method: clinical testing. Allele origin: germline.
Comment: In summary, the available evidence is currently insufficient to determine the role of this variant in disease. Therefore, it has been classified as a Variant of Uncertain Significance. Algorithms developed to predict the effect of missense changes on protein structure and function are either unavailable or do not agree on the potential impact of this missense change (SIFT: "Tolerated"; PolyPhen-2: "Probably Damaging"; Align-GVGD: "Class C0"). ClinVar contains an entry for this variant (Variation ID: 656874). This variant has not been reported in the literature in individuals affected with FLNC-related conditions. This variant is present in population databases (no rsID available, gnomAD 0.003%). This sequence change replaces alanine, which is neutral and non-polar, with threonine, which is neutral and polar, at codon 639 of the FLNC protein (p.Ala639Thr).

NM_001458.5(FLNC):c.1915G>A (p.Ala639Thr)

Gene: FLNC (filamin C; plus strand). Cytogenetic location: 7q32.1.
Variant type: single nucleotide variant.
Coding change: c.1915G>A on transcript NM_001458.5 (MANE Select); coding-DNA position 1915, G replaced by A.
Protein change: p.Ala639Thr; replaces alanine 639 with threonine.
Molecular consequence: missense variant.
Genome position (GRCh38, 1-based): chr7:128,841,271, G>A. VCF-style: chr7-128841271-G-A. GRCh37 (hg19) VCF-style: chr7-128481325-G-A.
Other names: c.1915G>A, p.Ala639Thr (NM_001127487.2); short protein forms A639T.
Identifiers: ClinVar variation 656874 (VCV000656874.9), dbSNP rs1175392094, ClinGen allele CA369227354.